The following is an entry in ClinVar:

NM_000925.4(PDHB):c.3G>C (p.Met1Ile)

Genes: PDHB (pyruvate dehydrogenase E1 subunit beta; minus strand), LOC129936949 (ATAC-STARR-seq lymphoblastoid active region 20012; plus strand). Cytogenetic location: 3p14.3.
Variant type: single nucleotide variant.
Coding change: c.3G>C on transcript NM_000925.4 (MANE Select); coding-DNA position 3, G replaced by C.
Protein change: p.Met1Ile; changes the start codon (methionine 1).
Molecular consequence: missense variant, initiator codon variant. On other transcripts: non-coding transcript variant (1).
Genome position (GRCh38, 1-based): chr3:58,433,807, C>G on the plus strand (G>C on the coding strand, the complement: PDHB is on the minus strand). VCF-style: chr3-58433807-C-G. GRCh37 (hg19) VCF-style: chr3-58419534-C-G.
Other names: c.3G>C, p.Met1Ile (NM_001173468.2, NM_001315536.2); c.3G>C (NM_000925.3); short protein forms M1I.
Identifiers: ClinVar variation 2445819 (VCV002445819.2), dbSNP rs1336674463, ClinGen allele CA353365297.

ClinVar aggregate classification (germline): Uncertain significance (1 of 4 stars; one submission).

Allele frequency attached by ClinVar (database versions not stated): gnomAD exomes below 0.00001.

Submission:

Women's Health and Genetics/Laboratory Corporation of America, LabCorp
Classification: Uncertain significance. Last evaluated: 2023-02-13. Review status: criteria provided, single submitter. Criteria: LabCorp Variant Classification Summary - May 2015. Collection method: clinical testing. Allele origin: germline.
Comment: Variant summary: PDHB c.3G>C (p.Met1Ile) alters the initiation codon and is predicted to result either in absence of the protein or truncation of the encoded protein due to translation initiation at a downstream codon. Two of two in-silico tools predict a benign effect of the variant on protein function. The variant was absent in 240900 control chromosomes. The available data on variant occurrences in the general population are insufficient to allow any conclusion about variant significance. To our knowledge, no occurrence of c.3G>C in individuals affected with Pyruvate Dehydrogenase E1-Beta Deficiency and no experimental evidence demonstrating its impact on protein function have been reported. The closest potential in-frame start codon is located in exon 3 at Met43 and there are no reported pathogenic variants upstream of the closest potential in-frame start codon in ClinVar. No clinical diagnostic laboratories have submitted clinical-significance assessments for this variant to ClinVar after 2014. Based on the evidence outlined above, the variant was classified as uncertain significance.